The following is an entry in ClinVar:

NM_012120.3(CD2AP):c.1636T>C (p.Ser546Pro)

Gene: CD2AP (CD2 associated protein; plus strand). Cytogenetic location: 6p12.3.
Variant type: single nucleotide variant.
Coding change: c.1636T>C on transcript NM_012120.3 (MANE Select); coding-DNA position 1636, T replaced by C.
Protein change: p.Ser546Pro; replaces serine 546 with proline.
Molecular consequence: missense variant.
Genome position (GRCh38, 1-based): chr6:47,609,126, T>C. VCF-style: chr6-47609126-T-C. GRCh37 (hg19) VCF-style: chr6-47576862-T-C.
Other names: short protein forms S546P.
Identifiers: ClinVar variation 2864611 (VCV002864611.3), dbSNP rs2481376417, ClinGen allele CA363942279.

ClinVar aggregate classification (germline): Uncertain significance (1 of 4 stars; one submission).

Submission:

Labcorp Genetics (formerly Invitae), Labcorp
Classification: Uncertain significance. Last evaluated: 2023-05-23. Review status: criteria provided, single submitter. Criteria: Invitae Variant Classification Sherloc (09022015). Collection method: clinical testing. Allele origin: germline.
Comment: This variant has not been reported in the literature in individuals affected with CD2AP-related conditions. Advanced modeling of protein sequence and biophysical properties (such as structural, functional, and spatial information, amino acid conservation, physicochemical variation, residue mobility, and thermodynamic stability) performed at Invitae indicates that this missense variant is not expected to disrupt CD2AP protein function. In summary, the available evidence is currently insufficient to determine the role of this variant in disease. Therefore, it has been classified as a Variant of Uncertain Significance. This sequence change replaces serine, which is neutral and polar, with proline, which is neutral and non-polar, at codon 546 of the CD2AP protein (p.Ser546Pro). This variant is not present in population databases (gnomAD no frequency).